The following is an entry in ClinVar:

ClinVar aggregate classification (germline): Uncertain significance (1 of 4 stars; one submission).

Conditions:
Niemann-Pick disease, type C1. Also called: NIEMANN-PICK DISEASE, VARIANT TYPE C1; NEUROVISCERAL STORAGE DISEASE WITH VERTICAL SUPRANUCLEAR OPHTHALMOPLEGIA; NIEMANN-PICK DISEASE WITH CHOLESTEROL ESTERIFICATION BLOCK; NIEMANN-PICK DISEASE WITHOUT SPHINGOMYELINASE DEFICIENCY; NIEMANN-PICK DISEASE, CHRONIC NEURONOPATHIC FORM. Identifiers: Orphanet 646, MedGen C3179455, MONDO:0009757, OMIM 257220.

Allele frequency attached by ClinVar (database versions not stated): gnomAD exomes below 0.00001; ExAC 0.00001; ESP Exome Variant Server 0.00008.
gnomAD v4.1: 1 of 1,614,098 alleles (0.000062%); highest among the groups gnomAD compares: South Asian, 0.0011%; no homozygotes.

Submission:

Labcorp Genetics (formerly Invitae), Labcorp
Classification: Uncertain significance for Niemann-Pick disease, type C1. Last evaluated: 2021-08-26. Review status: criteria provided, single submitter. Criteria: Invitae Variant Classification Sherloc (09022015). Collection method: clinical testing. Allele origin: germline.
Comment: This sequence change replaces arginine with proline at codon 341 of the NPC1 protein (p.Arg341Pro). The arginine residue is weakly conserved and there is a moderate physicochemical difference between arginine and proline. This variant is present in population databases (rs370181667, ExAC 0.002%). This variant has not been reported in the literature in individuals affected with NPC1-related conditions. Algorithms developed to predict the effect of missense changes on protein structure and function (SIFT, PolyPhen-2, Align-GVGD) all suggest that this variant is likely to be tolerated. In summary, the available evidence is currently insufficient to determine the role of this variant in disease. Therefore, it has been classified as a Variant of Uncertain Significance.

NM_000271.5(NPC1):c.1022G>C (p.Arg341Pro)

Gene: NPC1 (NPC intracellular cholesterol transporter 1; minus strand). Cytogenetic location: 18q11.2.
Variant type: single nucleotide variant.
Coding change: c.1022G>C on transcript NM_000271.5 (MANE Select); coding-DNA position 1022, G replaced by C.
Protein change: p.Arg341Pro; replaces arginine 341 with proline.
Molecular consequence: missense variant.
Genome position (GRCh38, 1-based): chr18:23,556,547, C>G on the plus strand (G>C on the coding strand, the complement: NPC1 is on the minus strand). VCF-style: chr18-23556547-C-G. GRCh37 (hg19) VCF-style: chr18-21136511-C-G.
Other names: short protein forms R341P.
Identifiers: ClinVar variation 1501603 (VCV001501603.5), dbSNP rs370181667, ClinGen allele CA8913550.
Genomic context (GRCh38, chr18:23,556,547, plus strand): 5'-ATGAAGACCAGCGAGAAGAAAATGACACAGCCAGGGTTTCGGACGCAGAAAGACCCCCAG[C>G]GTGTGAACAGCCGCCTCAAGCAGCCCTCAAATGCTGCGCTGACAGGGTCACAGCAGGACG-3'
Protein context (NP_000262.2, residues 331-351): FEGCLRRLFT[Arg341Pro]WGSFCVRNPG